The following is an entry in ClinVar:

ClinVar aggregate classification (germline): Uncertain significance (1 of 4 stars; one submission).

Submission:

GeneDx
Classification: Uncertain significance. Last evaluated: 2022-06-12. Review status: criteria provided, single submitter. Criteria: GeneDx Variant Classification Process June 2021. Collection method: clinical testing. Allele origin: germline. Affected: yes.
Comment: Not observed at significant frequency in large population cohorts (gnomAD); In silico analysis supports that this missense variant has a deleterious effect on protein structure/function; Has not been previously published as pathogenic or benign to our knowledge; This variant is associated with the following publications: (PMID: 28545555)

NM_017654.4(SAMD9):c.1661A>G (p.Asp554Gly)

Gene: SAMD9 (sterile alpha motif domain containing 9; minus strand). Cytogenetic location: 7q21.2.
Variant type: single nucleotide variant.
Coding change: c.1661A>G on transcript NM_017654.4 (MANE Select); coding-DNA position 1661, A replaced by G.
Protein change: p.Asp554Gly; replaces aspartic acid 554 with glycine.
Molecular consequence: missense variant.
Genome position (GRCh38, 1-based): chr7:93,104,437, T>C on the plus strand (A>G on the coding strand, the complement: SAMD9 is on the minus strand). VCF-style: chr7-93104437-T-C. GRCh37 (hg19) VCF-style: chr7-92733750-T-C.
Other names: c.1661A>G, p.Asp554Gly (NM_001193307.2); short protein forms D554G.
Identifiers: ClinVar variation 1804557 (VCV001804557.1), dbSNP rs2535360121, ClinGen allele CA368195447.